The following is an entry in ClinVar:

ClinVar aggregate classification (germline): Uncertain significance. Review status: criteria provided, multiple submitters, no conflicts (2 of 4 stars). 2 submissions from 2 submitters: Uncertain significance (2). Last evaluated 2025-10-14.

Conditions:
Inborn genetic diseases. Identifiers: MedGen C0950123, MeSH D030342.
Deafness-lymphedema-leukemia syndrome. Also called: Emberger syndrome; Lymphedema, primary, with myelodysplasia. Identifiers: Orphanet 3226, MedGen C3279664, MONDO:0013540, OMIM 614038.
Monocytopenia with susceptibility to infections. Also called: IMMUNODEFICIENCY 21; GATA2 DEFICIENCY; MONOCYTOPENIA AND MYCOBACTERIAL INFECTION SYNDROME; MONOCYTOPENIA WITH SUSCEPTIBILITY TO MYCOBACTERIAL, FUNGAL, AND PAPILLOMAVIRUS INFECTIONS AND MYELODYSPLASIA; COMBINED IMMUNODEFICIENCY WITH SUSCEPTIBILITY TO MYCOBACTERIAL, VIRAL, AND FUNGAL INFECTIONS; Dendritic cell, monocyte, B lymphocyte, and natural killer lymphocyte deficiency. Identifiers: Orphanet 228423, MedGen C3280030, MONDO:0013607, OMIM 614172.

Allele frequency attached by ClinVar (database versions not stated): gnomAD exomes below 0.00001.
gnomAD v4.1: 1 of 1,604,914 alleles (0.000062%); highest among the groups gnomAD compares: African/African-American, 0.0013%; no homozygotes.

Submissions (2):

Ambry Genetics
Classification: Uncertain significance for Inborn genetic diseases. Last evaluated: 2025-10-14. Review status: criteria provided, single submitter. Criteria: Ambry Variant Classification Scheme 2023. Collection method: clinical testing. Allele origin: germline.
Comment: The p.P74L variant (also known as c.221C>T), located in coding exon 1 of the GATA2 gene, results from a C to T substitution at nucleotide position 221. The proline at codon 74 is replaced by leucine, an amino acid with similar properties. This amino acid position is conserved. In addition, the in silico prediction for this alteration is inconclusive. Based on the available evidence, the clinical significance of this variant remains unclear.

Labcorp Genetics (formerly Invitae), Labcorp
Classification: Uncertain significance for Monocytopenia with susceptibility to infections; Deafness-lymphedema-leukemia syndrome. Last evaluated: 2020-07-23. Review status: criteria provided, single submitter. Criteria: Invitae Variant Classification Sherloc (09022015). Collection method: clinical testing. Allele origin: germline.
Comment: In summary, the available evidence is currently insufficient to determine the role of this variant in disease. Therefore, it has been classified as a Variant of Uncertain Significance. Advanced modeling of protein sequence and biophysical properties (such as structural, functional, and spatial information, amino acid conservation, physicochemical variation, residue mobility, and thermodynamic stability) performed at Invitae indicates that this missense variant is not expected to disrupt GATA2 protein function. This variant has not been reported in the literature in individuals with GATA2-related conditions. This variant is not present in population databases (ExAC no frequency). This sequence change replaces proline with leucine at codon 74 of the GATA2 protein (p.Pro74Leu). The proline residue is weakly conserved and there is a moderate physicochemical difference between proline and leucine.

NM_032638.5(GATA2):c.221C>T (p.Pro74Leu)

Gene: GATA2 (GATA binding protein 2; minus strand). Cytogenetic location: 3q21.3.
Variant type: single nucleotide variant.
Coding change: c.221C>T on transcript NM_032638.5 (MANE Select); coding-DNA position 221, C replaced by T.
Protein change: p.Pro74Leu; replaces proline 74 with leucine.
Molecular consequence: missense variant.
Genome position (GRCh38, 1-based): chr3:128,486,811, G>A on the plus strand (C>T on the coding strand, the complement: GATA2 is on the minus strand). VCF-style: chr3-128486811-G-A. GRCh37 (hg19) VCF-style: chr3-128205654-G-A.
Other names: c.221C>T, p.Pro74Leu (NM_001145661.2, NM_001145662.1); c.221C>T (NM_032638.4); short protein forms P74L.
Identifiers: ClinVar variation 1047839 (VCV001047839.9), dbSNP rs776819522, ClinGen allele CA354408198.